The following is an entry in ClinVar:

NM_020365.5(EIF2B3):c.833A>G (p.Tyr278Cys)

Gene: EIF2B3 (eukaryotic translation initiation factor 2B subunit gamma; minus strand). Cytogenetic location: 1p34.1.
Variant type: single nucleotide variant.
Coding change: c.833A>G on transcript NM_020365.5 (MANE Select); coding-DNA position 833, A replaced by G.
Protein change: p.Tyr278Cys; replaces tyrosine 278 with cysteine.
Molecular consequence: missense variant.
Genome position (GRCh38, 1-based): chr1:44,879,960, T>C on the plus strand (A>G on the coding strand, the complement: EIF2B3 is on the minus strand). VCF-style: chr1-44879960-T-C. GRCh37 (hg19) VCF-style: chr1-45345632-T-C.
Other names: c.833A>G, p.Tyr278Cys (NM_001166588.3, NM_001261418.2); short protein forms Y278C.
Identifiers: ClinVar variation 210933 (VCV000210933.12), dbSNP rs199893632, ClinGen allele CA205162.

ClinVar aggregate classification (germline): Uncertain significance. Review status: criteria provided, multiple submitters, no conflicts (2 of 4 stars). 4 submissions from 4 submitters: Uncertain significance (4). Last evaluated 2024-08-21.

Conditions:
Vanishing white matter disease. Also called: Childhood ataxia with diffuse central nervous system hypomyelination; Leukoencephalopathy with vanishing white matter; CACH/VWM syndrome; Cree leukoencehalopathy; CACH syndrome. Identifiers: Orphanet 135, Orphanet 99853, MedGen C1858991, MONDO:0800448.

Allele frequency attached by ClinVar (database versions not stated): gnomAD 0.00006; ESP Exome Variant Server 0.00008; TOPMed 0.00008; gnomAD exomes 0.00012; ExAC 0.00013.
gnomAD v4.1: 162 of 1,614,170 alleles (0.01%); highest among the groups gnomAD compares: Middle Eastern, 0.049%; no homozygotes.

Submissions (4):

Blueprint Genetics
Classification: Uncertain significance. Last evaluated: 2024-08-21. Review status: criteria provided, single submitter. Criteria: ACMG Guidelines, 2015. Collection method: clinical testing. Allele origin: germline.

Labcorp Genetics (formerly Invitae), Labcorp
Classification: Uncertain significance. Last evaluated: 2022-07-18. Review status: criteria provided, single submitter. Criteria: Invitae Variant Classification Sherloc (09022015). Collection method: clinical testing. Allele origin: germline.
Comment: This sequence change replaces tyrosine, which is neutral and polar, with cysteine, which is neutral and slightly polar, at codon 278 of the EIF2B3 protein (p.Tyr278Cys). This variant is present in population databases (rs199893632, gnomAD 0.02%). This variant has not been reported in the literature in individuals affected with EIF2B3-related conditions. ClinVar contains an entry for this variant (Variation ID: 210933). Algorithms developed to predict the effect of missense changes on protein structure and function (SIFT, PolyPhen-2, Align-GVGD) all suggest that this variant is likely to be tolerated. In summary, the available evidence is currently insufficient to determine the role of this variant in disease. Therefore, it has been classified as a Variant of Uncertain Significance.

Illumina Laboratory Services, Illumina
Classification: Uncertain significance for Leukoencephalopathy with vanishing white matter 1. Last evaluated: 2017-04-27. Review status: criteria provided, single submitter. Criteria: ICSL Variant Classification Criteria 13 December 2019. Collection method: clinical testing. Allele origin: germline.

Genetic Services Laboratory, University of Chicago
Classification: Uncertain significance. Last evaluated: 2014-04-04. Review status: criteria provided, single submitter. Criteria: ACMG Guidelines, 2007. Collection method: clinical testing. Allele origin: germline.